The following is an entry in ClinVar:

NM_004655.4(AXIN2):c.1908-12T>C

Gene: AXIN2 (axin 2; minus strand). Cytogenetic location: 17q24.1.
Variant type: single nucleotide variant.
Coding change: c.1908-12T>C on transcript NM_004655.4 (MANE Select); 12 bases into the intron before coding-DNA position 1908, T replaced by C.
Molecular consequence: intron variant.
Genome position (GRCh38, 1-based): chr17:65,536,565, A>G on the plus strand (T>C on the coding strand, the complement: AXIN2 is on the minus strand). VCF-style: chr17-65536565-A-G. GRCh37 (hg19) VCF-style: chr17-63532683-A-G.
Other names: c.1713-12T>C (NM_001363813.1).
Identifiers: ClinVar variation 1692852 (VCV001692852.5), dbSNP rs2144444581, ClinGen allele CA2573154723.

ClinVar aggregate classification (germline): Likely benign. Review status: criteria provided, multiple submitters, no conflicts (2 of 4 stars). 3 submissions from 3 submitters: Likely benign (3). Last evaluated 2025-09-06.

Conditions:
Hereditary cancer-predisposing syndrome. Also called: Hereditary neoplastic syndrome; Tumor predisposition; Neoplastic Syndromes, Hereditary; Hereditary Cancer Syndrome. Identifiers: Orphanet 140162, MedGen C0027672, MeSH D009386, MONDO:0015356.
Oligodontia-cancer predisposition syndrome. Also called: TOOTH AGENESIS-COLORECTAL CANCER SYNDROME. Identifiers: Orphanet 300576, MedGen C1837750, MONDO:0012075, OMIM 608615. Disease mechanism: loss of function.

Submissions (3):

Labcorp Genetics (formerly Invitae), Labcorp
Classification: Likely benign for Oligodontia-cancer predisposition syndrome. Last evaluated: 2025-09-06. Review status: criteria provided, single submitter. Criteria: Invitae Variant Classification Sherloc (09022015). Collection method: clinical testing. Allele origin: germline.

Myriad Genetics, Inc.
Classification: Likely benign for Oligodontia-cancer predisposition syndrome. Last evaluated: 2024-07-08. Review status: criteria provided, single submitter. Criteria: Myriad Autosomal Dominant, Autosomal Recessive and X-Linked Classification Criteria (2023). Collection method: clinical testing. Allele origin: unknown.
Comment: This variant is considered likely benign. This variant is intronic and is not expected to impact mRNA splicing.

Sema4
Classification: Likely benign for Hereditary cancer-predisposing syndrome. Last evaluated: 2020-10-28. Review status: criteria provided, single submitter. Criteria: Sema4 Curation Guidelines. Collection method: curation. Allele origin: germline.